The following is an entry in ClinVar:

ClinVar aggregate classification (germline): Uncertain significance (1 of 4 stars; one submission).

gnomAD v4.1: 1 of 1,614,022 alleles (0.000062%); highest among the groups gnomAD compares: African/African-American, 0.0013%; no homozygotes.

Submission:

CeGaT Center for Human Genetics Tuebingen
Classification: Uncertain significance. Last evaluated: 2026-07-01. Review status: criteria provided, single submitter. Criteria: CeGaT Center For Human Genetics Tuebingen Variant Classification Criteria Version 2. Collection method: clinical testing. Allele origin: germline. Affected: yes. Observed: 1 variant allele.
Comment: ADAR: PM2, PP3

NM_001111.5(ADAR):c.2351C>T (p.Ala784Val)

Gene: ADAR (adenosine deaminase RNA specific; minus strand). Cytogenetic location: 1q21.3.
Variant type: single nucleotide variant.
Coding change: c.2351C>T on transcript NM_001111.5 (MANE Select); coding-DNA position 2351, C replaced by T.
Protein change: p.Ala784Val; replaces alanine 784 with valine.
Molecular consequence: missense variant.
Genome position (GRCh38, 1-based): chr1:154,590,329, G>A on the plus strand (C>T on the coding strand, the complement: ADAR is on the minus strand). VCF-style: chr1-154590329-G-A. GRCh37 (hg19) VCF-style: chr1-154562805-G-A.
Other names: c.1466C>T, p.Ala489Val (NM_001025107.3, NM_001193495.2, NM_001365046.1 and 3 more transcripts); c.2378C>T, p.Ala793Val (NM_001365045.1); c.2351C>T, p.Ala784Val (NM_015840.4); c.2294C>T, p.Ala765Val (NM_015841.4); short protein forms A489V, A765V, A784V, A793V.
Identifiers: ClinVar variation 5040343 (VCV005040343.1).